The following is an entry in ClinVar:

NM_004035.7(ACOX1):c.*654A>G

Gene: ACOX1 (acyl-CoA oxidase 1; minus strand). Cytogenetic location: 17q25.1.
Variant type: single nucleotide variant.
Coding change: c.*654A>G on transcript NM_004035.7 (MANE Select); 654 bases downstream of the stop codon, A replaced by G.
Molecular consequence: 3 prime UTR variant.
Genome position (GRCh38, 1-based): chr17:75,946,094, T>C on the plus strand (A>G on the coding strand, the complement: ACOX1 is on the minus strand). VCF-style: chr17-75946094-T-C. GRCh37 (hg19) VCF-style: chr17-73942175-T-C.
Other names: c.*654A>G (NM_001185039.2, NM_007292.6).
Identifiers: ClinVar variation 325364 (VCV000325364.6), dbSNP rs1057921, ClinGen allele CA10651041.

ClinVar aggregate classification (germline): Benign. Review status: criteria provided, multiple submitters, no conflicts (2 of 4 stars). 2 submissions from 2 submitters: Benign (2). Last evaluated 2018-01-12.

Conditions:
Acyl-CoA oxidase deficiency. Also called: STRAIGHT-CHAIN ACYL-CoA OXIDASE DEFICIENCY; Pseudoneonatal adrenoleukodystrophy; Peroxisomal acyl-CoA oxidase deficiency. Identifiers: Orphanet 2971, MedGen C1849678, MONDO:0009919, OMIM 264470. Disease mechanism: loss of function.

Allele frequency attached by ClinVar (database versions not stated): gnomAD exomes 0.00049; 1000 Genomes Project 0.00659; gnomAD 0.00769 and 0.00854; 1000 Genomes Project 30x 0.00812; TOPMed 0.00914.
gnomAD v4.1: 1,162 of 154,382 alleles (0.75%); highest among the groups gnomAD compares: African/African-American, 2.6%; 13 homozygotes.

Submissions (2):

Illumina Laboratory Services, Illumina
Classification: Benign for Acyl-CoA oxidase deficiency. Last evaluated: 2018-01-12. Review status: criteria provided, single submitter. Criteria: ICSL Variant Classification Criteria 13 December 2019. Collection method: clinical testing. Allele origin: germline.
Comment: This variant was observed in the ICSL laboratory as part of a predisposition screen in an ostensibly healthy population. It had not been previously curated by ICSL or reported in the Human Gene Mutation Database (HGMD: prior to June 1st, 2018), and was therefore a candidate for classification through an automated scoring system. Utilizing variant allele frequency, disease prevalence and penetrance estimates, and inheritance mode, an automated score was calculated to assess if this variant is too frequent to cause the disease. Based on the score and internal cut-off values, a variant classified as benign is not then subjected to further curation. The score for this variant resulted in a classification of benign for this disease.

Breakthrough Genomics
Classification: Benign. Review status: criteria provided, single submitter. Criteria: ACMG Guidelines, 2015. Collection method: not provided. Allele origin: germline. Inheritance: Autosomal recessive inheritance. Affected: yes.